The following is an entry in ClinVar:

ClinVar aggregate classification (germline): Pathogenic/Likely pathogenic. Review status: criteria provided, multiple submitters, no conflicts (2 of 4 stars). 2 submissions from 2 submitters: Pathogenic (1); Likely pathogenic (1). Last evaluated 2023-08-31.

Conditions:
Retinitis pigmentosa 61 (RP61). Identifiers: Orphanet 791, MedGen C3280041, MONDO:0013610, OMIM 614180.

Submissions (2):

Baylor Genetics
Classification: Likely pathogenic for Retinitis pigmentosa 61. Last evaluated: 2023-08-31. Review status: criteria provided, single submitter. Criteria: ACMG Guidelines, 2015. Collection method: clinical testing. Allele origin: unknown.

Labcorp Genetics (formerly Invitae), Labcorp
Classification: Pathogenic. Last evaluated: 2023-02-24. Review status: criteria provided, single submitter. Criteria: Invitae Variant Classification Sherloc (09022015). Collection method: clinical testing. Allele origin: germline.
Comment: This sequence change creates a premature translational stop signal (p.Leu32*) in the CLRN1 gene. It is expected to result in an absent or disrupted protein product. Loss-of-function variants in CLRN1 are known to be pathogenic (PMID: 11524702, 24498627). This variant is not present in population databases (gnomAD no frequency). This variant has not been reported in the literature in individuals affected with CLRN1-related conditions. For these reasons, this variant has been classified as Pathogenic.

Literature cited by the submitters: PubMed 11524702 (cited by Labcorp Genetics (formerly Invitae), Labcorp); PubMed 24498627 (cited by Labcorp Genetics (formerly Invitae), Labcorp).

NM_174878.3(CLRN1):c.95T>A (p.Leu32Ter)

Gene: CLRN1 (clarin 1; minus strand). Cytogenetic location: 3q25.1.
Variant type: single nucleotide variant.
Coding change: c.95T>A on transcript NM_174878.3 (MANE Select); coding-DNA position 95, T replaced by A.
Protein change: p.Leu32Ter; replaces leucine 32 with a stop codon.
Molecular consequence: nonsense. On other transcripts: non-coding transcript variant (1).
Genome position (GRCh38, 1-based): chr3:150,972,614, A>T on the plus strand (T>A on the coding strand, the complement: CLRN1 is on the minus strand). VCF-style: chr3-150972614-A-T. GRCh37 (hg19) VCF-style: chr3-150690401-A-T.
Other names: c.95T>A, p.Leu32Ter (NM_001195794.1, NM_001256819.2); short protein forms L32*.
Identifiers: ClinVar variation 2680840 (VCV002680840.4), dbSNP rs2472831349, ClinGen allele CA355012065.